The following is an entry in ClinVar:

ClinVar aggregate classification (germline): Uncertain significance (1 of 4 stars; one submission).

Conditions:
Hawkinsinuria. Identifiers: Orphanet 2118, MedGen C2931042, MONDO:0007700, OMIM 140350, HP:0034457.
Tyrosinemia type III. Also called: Tyrosinemia type 3; 4-alpha hydroxyphenylpyruvic acid oxidase deficiency; 4-alpha hydroxyphenylpyruvate dioxygenase deficiency; 4-Hydroxyphenylpyruvate dioxygenase deficiency; 4-HYDROXYPHENYLPYRUVIC ACID OXIDASE DEFICIENCY. Identifiers: Orphanet 69723, MedGen C0268623, MONDO:0010162, OMIM 276710.

Submission:

Labcorp Genetics (formerly Invitae), Labcorp
Classification: Uncertain significance for Tyrosinemia type III; Hawkinsinuria. Last evaluated: 2022-05-07. Review status: criteria provided, single submitter. Criteria: Invitae Variant Classification Sherloc (09022015). Collection method: clinical testing. Allele origin: germline.
Comment: This variant is a gross deletion of the genomic region encompassing exon(s) 12 of the HPD gene. This variant would be expected to be in-frame, preserving the integrity of the reading frame. A similar copy number variant has been observed in individual(s) with clinical features of tyrosinemia type III (Invitae). Experimental studies and prediction algorithms are not available or were not evaluated, and the functional significance of this variant is currently unknown. In summary, the available evidence is currently insufficient to determine the role of this variant in disease. Therefore, it has been classified as a Variant of Uncertain Significance.

NC_000012.11:g.(?_122281596)_(122281758_?)del

Gene: HPD (4-hydroxyphenylpyruvate dioxygenase; minus strand). Cytogenetic location: 12q24.31.
Variant type: Deletion.
Identifiers: ClinVar variation 2424359 (VCV002424359.5).